The following is an entry in ClinVar:

NM_172107.4(KCNQ2):c.762G>C (p.Glu254Asp)

Gene: KCNQ2 (potassium voltage-gated channel subfamily Q member 2; minus strand). Cytogenetic location: 20q13.33.
Variant type: single nucleotide variant.
Coding change: c.762G>C on transcript NM_172107.4 (MANE Select); coding-DNA position 762, G replaced by C.
Protein change: p.Glu254Asp; replaces glutamic acid 254 with aspartic acid.
Molecular consequence: missense variant.
Genome position (GRCh38, 1-based): chr20:63,442,460, C>G on the plus strand (G>C on the coding strand, the complement: KCNQ2 is on the minus strand). VCF-style: chr20-63442460-C-G. GRCh37 (hg19) VCF-style: chr20-62073813-C-G.
Other names: c.762G>C, p.Glu254Asp (NM_001382235.1, NM_004518.6, NM_172106.3 and 2 more transcripts); short protein forms E254D.
Identifiers: ClinVar variation 976223 (VCV000976223.1), dbSNP rs2081189736, ClinGen allele CA409653509.

ClinVar aggregate classification (germline): Likely pathogenic (1 of 4 stars; one submission).

Conditions:
Developmental and epileptic encephalopathy, 7 (DEE7). Also called: Early infantile epileptic encephalopathy 7; KCNQ2-Related Neonatal Epileptic Encephalopathy; KCNQ2-Related Neonatal-Onset Developmental and Epileptic Encephalopathy (NEO-DEE). Identifiers: Orphanet 439218, MedGen C3150986, MONDO:0013387, OMIM 613720.

Submission:

Institute of Human Genetics, University of Leipzig Medical Center
Classification: Likely pathogenic for Developmental and epileptic encephalopathy, 7. Last evaluated: 2016-09-07. Review status: criteria provided, single submitter. Criteria: ACMG Guidelines, 2015. Collection method: clinical testing. Allele origin: de novo. Affected: yes. Observed: 1 variant allele.
Comment: This variant was identified as de novo (maternity and paternity confirmed).